The following is an entry in ClinVar:

ClinVar aggregate classification (germline): Likely benign (1 of 4 stars; one submission).

Conditions:
VPS16-related disorder. Also called: VPS16-related condition.

gnomAD v4.1: 22 of 1,614,012 alleles (0.0014%); highest among the groups gnomAD compares: Non-Finnish European, 0.0017%; no homozygotes.

Submission:

PreventionGenetics, part of Exact Sciences
Classification: Likely benign for VPS16-related condition. Last evaluated: 2025-12-03. Review status: criteria provided, single submitter. Criteria: ACMG Guidelines, 2015. Collection method: clinical testing. Allele origin: germline.
Comment: This variant is classified as likely benign based on ACMG/AMP sequence variant interpretation guidelines (Richards et al. 2015 PMID: 25741868, with internal and published modifications).

NM_022575.4(VPS16):c.1368-9G>T

Gene: VPS16 (VPS16 core subunit of CORVET and HOPS complexes; plus strand). Cytogenetic location: 20p13.
Variant type: single nucleotide variant.
Coding change: c.1368-9G>T on transcript NM_022575.4 (MANE Select); 9 bases into the intron before coding-DNA position 1368, G replaced by T.
Molecular consequence: intron variant.
Genome position (GRCh38, 1-based): chr20:2,863,281, G>T. VCF-style: chr20-2863281-G-T. GRCh37 (hg19) VCF-style: chr20-2843927-G-T.
Other names: c.936-9G>T (NM_080413.3).
Identifiers: ClinVar variation 4985942 (VCV004985942.1).